The following is an entry in ClinVar:

NM_001197104.2(KMT2A):c.699C>G (p.Ile233Met)

Gene: KMT2A (lysine methyltransferase 2A; plus strand). Cytogenetic location: 11q23.3.
Variant type: single nucleotide variant.
Coding change: c.699C>G on transcript NM_001197104.2 (MANE Select); coding-DNA position 699, C replaced by G.
Protein change: p.Ile233Met; replaces isoleucine 233 with methionine.
Molecular consequence: missense variant.
Genome position (GRCh38, 1-based): chr11:118,471,858, C>G. VCF-style: chr11-118471858-C-G. GRCh37 (hg19) VCF-style: chr11-118342573-C-G.
Other names: c.798C>G, p.Ile266Met (NM_001412597.1); c.699C>G, p.Ile233Met (NM_005933.4); short protein forms I233M, I266M.
Identifiers: ClinVar variation 4882658 (VCV004882658.2).

ClinVar aggregate classification (germline): Uncertain significance (1 of 4 stars; one submission).

Conditions:
Wiedemann-Steiner syndrome (WDSTS). Also called: Growth deficiency and mental retardation with facial dysmorphism. Identifiers: Orphanet 319182, MedGen C1854630, MONDO:0011518, OMIM 605130.

Submission:

Dasa
Classification: Uncertain significance for Wiedemann-Steiner syndrome. Last evaluated: 2025-10-28. Review status: criteria provided, single submitter. Criteria: DASA Assertion Criteria. Collection method: clinical testing. Allele origin: germline.
Comment: NM_001197104.2(KMT2A):c.699C>G (p.Ile233Met) is a missense variant that results in the substitution of isoleucine with methionine. This variant is absent from population databases. Computational prediction algorithms are consistent with a benign effect. The currently available literature and clinical evidence are not sufficient to establish a definitive association between this variant and the reported condition. Therefore, this variant is classified as a variant of uncertain significance.